The following is an entry in ClinVar:

NM_013352.4(DSE):c.1192G>A (p.Gly398Ser)

Gene: DSE (dermatan sulfate epimerase; plus strand). Cytogenetic location: 6q22.1.
Variant type: single nucleotide variant.
Coding change: c.1192G>A on transcript NM_013352.4 (MANE Select); coding-DNA position 1192, G replaced by A.
Protein change: p.Gly398Ser; replaces glycine 398 with serine.
Molecular consequence: missense variant. On other transcripts: 3 prime UTR variant (2), non-coding transcript variant (1).
Genome position (GRCh38, 1-based): chr6:116,435,660, G>A. VCF-style: chr6-116435660-G-A. GRCh37 (hg19) VCF-style: chr6-116756823-G-A.
Other names: c.1192G>A, p.Gly398Ser (NM_001080976.3, NM_001322937.2, NM_001322938.2); c.1249G>A, p.Gly417Ser (NM_001322939.2); c.631G>A, p.Gly211Ser (NM_001322940.2, NM_001322941.2); c.*57G>A (NM_001322943.2, NM_001322944.2); c.193G>A, p.Gly65Ser (NM_001374520.1); c.157G>A, p.Gly53Ser (NM_001374521.1); short protein forms G398S, G65S, G417S, G211S, G53S.
Identifiers: ClinVar variation 1401671 (VCV001401671.6), dbSNP rs775032838, ClinGen allele CA3969635.

ClinVar aggregate classification (germline): Uncertain significance (1 of 4 stars; one submission).

Conditions:
Ehlers-Danlos syndrome, musculocontractural type 2 (EDSMC2). Identifiers: Orphanet 2953, MedGen C3809845, MONDO:0014236, OMIM 615539.

Allele frequency attached by ClinVar (database versions not stated): ExAC 0.00001; gnomAD exomes 0.00001; TOPMed 0.00001.
gnomAD v4.1: 7 of 1,613,972 alleles (0.00043%); highest among the groups gnomAD compares: Non-Finnish European, 0.00017%; no homozygotes.

Submission:

Labcorp Genetics (formerly Invitae), Labcorp
Classification: Uncertain significance for Ehlers-Danlos syndrome, musculocontractural type 2. Last evaluated: 2023-07-20. Review status: criteria provided, single submitter. Criteria: Invitae Variant Classification Sherloc (09022015). Collection method: clinical testing. Allele origin: germline.
Comment: This variant has not been reported in the literature in individuals affected with DSE-related conditions. ClinVar contains an entry for this variant (Variation ID: 1401671). Advanced modeling of protein sequence and biophysical properties (such as structural, functional, and spatial information, amino acid conservation, physicochemical variation, residue mobility, and thermodynamic stability) performed at Invitae indicates that this missense variant is expected to disrupt DSE protein function. In summary, the available evidence is currently insufficient to determine the role of this variant in disease. Therefore, it has been classified as a Variant of Uncertain Significance. This sequence change replaces glycine, which is neutral and non-polar, with serine, which is neutral and polar, at codon 398 of the DSE protein (p.Gly398Ser). This variant is present in population databases (rs775032838, gnomAD 0.009%).